The following is an entry in ClinVar:

ClinVar aggregate classification (germline): Uncertain significance (1 of 4 stars; one submission).

gnomAD v4.1: 1 of 1,549,658 alleles (0.000065%); highest among the groups gnomAD compares: East Asian, 0.0024%; no homozygotes.

Submission:

GeneDx
Classification: Uncertain significance. Last evaluated: 2024-08-27. Review status: criteria provided, single submitter. Criteria: GeneDx Variant Classification Process June 2021. Collection method: clinical testing. Allele origin: germline. Affected: yes.
Comment: Has not been previously published as pathogenic or benign to our knowledge; Not observed at significant frequency in large population cohorts (gnomAD); In silico analysis indicates that this missense variant does not alter protein structure/function

NM_002047.4(GARS1):c.148G>T (p.Ala50Ser)

Gene: GARS1 (glycyl-tRNA synthetase 1; plus strand). Cytogenetic location: 7p14.3.
Variant type: single nucleotide variant.
Coding change: c.148G>T on transcript NM_002047.4 (MANE Select); coding-DNA position 148, G replaced by T.
Protein change: p.Ala50Ser; replaces alanine 50 with serine.
Molecular consequence: missense variant. On other transcripts: 5 prime UTR variant (1).
Genome position (GRCh38, 1-based): chr7:30,595,069, G>T. VCF-style: chr7-30595069-G-T. GRCh37 (hg19) VCF-style: chr7-30634685-G-T.
Other names: c.-15G>T (NM_001316772.1); short protein forms A50S.
Identifiers: ClinVar variation 3766294 (VCV003766294.1).
Genomic context (GRCh38, chr7:30,595,069, plus strand): 5'-CTCCTGCTCCGCCGGTCCCTCAGCGCGGCCTCCTGCCCCCCGATCTCCTTGCCCGCCGCC[G>T]CCTCCCGGAGCAGCATGGACGGCGCGGGGGCTGAGGAGGTGCTGGCACCTCTGAGGCTAG-3'
Protein context (NP_002038.2, residues 40-60): SCPPISLPAA[Ala50Ser]SRSSMDGAGA